The following is an entry in ClinVar:

NM_001904.4(CTNNB1):c.2302C>T (p.Pro768Ser)

Gene: CTNNB1 (catenin beta 1; plus strand). Cytogenetic location: 3p22.1.
Variant type: single nucleotide variant.
Coding change: c.2302C>T on transcript NM_001904.4 (MANE Select); coding-DNA position 2302, C replaced by T.
Protein change: p.Pro768Ser; replaces proline 768 with serine.
Molecular consequence: missense variant. On other transcripts: intron variant (2).
Genome position (GRCh38, 1-based): chr3:41,239,298, C>T. VCF-style: chr3-41239298-C-T. GRCh37 (hg19) VCF-style: chr3-41280789-C-T.
Other names: c.2302C>T, p.Pro768Ser (NM_001098209.2, NM_001098210.2, NM_001438871.1 and 2 more transcripts); c.2281C>T, p.Pro761Ser (NM_001330729.2); c.2077-362C>T (NM_001438874.1, NM_001438875.1); short protein forms P768S, P761S.
Identifiers: ClinVar variation 4736090 (VCV004736090.1).
Genomic context (GRCh38, chr3:41,239,298, plus strand): 5'-TATCCAGTTGATGGGCTGCCAGATCTGGGGCATGCCCAGGACCTCATGGATGGGCTGCCT[C>T]CAGGTGACAGCAATCAGCTGGCCTGGTTTGATACTGACCTGTAAATCATCCTTTAGGTAA-3'
Protein context (NP_001895.1, residues 758-778): HAQDLMDGLP[Pro768Ser]GDSNQLAWFD

ClinVar aggregate classification (germline): Uncertain significance (1 of 4 stars; one submission).

Submission:

Labcorp Genetics (formerly Invitae), Labcorp
Classification: Uncertain significance. Last evaluated: 2026-01-24. Review status: criteria provided, single submitter. Criteria: Invitae Variant Classification Sherloc (09022015). Collection method: clinical testing. Allele origin: germline.
Comment: This sequence change replaces proline, which is neutral and non-polar, with serine, which is neutral and polar, at codon 768 of the CTNNB1 protein (p.Pro768Ser). This variant is not present in population databases (gnomAD no frequency). This variant has not been reported in the literature in individuals affected with CTNNB1-related conditions. An algorithm developed to predict the effect of missense changes on protein structure and function (PolyPhen-2) suggests that this variant is likely to be tolerated. In summary, the available evidence is currently insufficient to determine the role of this variant in disease. Therefore, it has been classified as a Variant of Uncertain Significance.